The following is an entry in ClinVar:

NM_021076.4(NEFH):c.2627A>G (p.Glu876Gly)

Gene: NEFH (neurofilament heavy chain; plus strand). Cytogenetic location: 22q12.2.
Variant type: single nucleotide variant.
Coding change: c.2627A>G on transcript NM_021076.4 (MANE Select); coding-DNA position 2627, A replaced by G.
Protein change: p.Glu876Gly; replaces glutamic acid 876 with glycine.
Molecular consequence: missense variant.
Genome position (GRCh38, 1-based): chr22:29,490,267, A>G. VCF-style: chr22-29490267-A-G. GRCh37 (hg19) VCF-style: chr22-29886256-A-G.
Other names: short protein forms E876G.
Identifiers: ClinVar variation 1390917 (VCV001390917.6), dbSNP rs2146401508, ClinGen allele CA411138250.

ClinVar aggregate classification (germline): Uncertain significance (1 of 4 stars; one submission).

Allele frequency attached by ClinVar (database versions not stated): gnomAD exomes below 0.00001.
gnomAD v4.1: 1 of 1,612,442 alleles (0.000062%); highest among the groups gnomAD compares: Non-Finnish European, 0.000085%; no homozygotes.

Submission:

Labcorp Genetics (formerly Invitae), Labcorp
Classification: Uncertain significance. Last evaluated: 2024-11-18. Review status: criteria provided, single submitter. Criteria: Invitae Variant Classification Sherloc (09022015). Collection method: clinical testing. Allele origin: germline.
Comment: This sequence change replaces glutamic acid, which is acidic and polar, with glycine, which is neutral and non-polar, at codon 876 of the NEFH protein (p.Glu876Gly). This variant is not present in population databases (gnomAD no frequency). This variant has not been reported in the literature in individuals affected with NEFH-related conditions. ClinVar contains an entry for this variant (Variation ID: 1390917). Invitae Evidence Modeling of protein sequence and biophysical properties (such as structural, functional, and spatial information, amino acid conservation, physicochemical variation, residue mobility, and thermodynamic stability) indicates that this missense variant is not expected to disrupt NEFH protein function with a negative predictive value of 95%. In summary, the available evidence is currently insufficient to determine the role of this variant in disease. Therefore, it has been classified as a Variant of Uncertain Significance.